The following is an entry in ClinVar:

NM_031276.3(TEX11):c.2574C>T (p.Thr858=)

Gene: TEX11 (testis expressed 11; minus strand). Cytogenetic location: Xq13.1.
Variant type: single nucleotide variant.
Coding change: c.2574C>T on transcript NM_031276.3 (MANE Select); coding-DNA position 2574, C replaced by T.
Protein change: p.Thr858=; no amino-acid change (threonine 858 retained).
Molecular consequence: synonymous variant.
Genome position (GRCh38, 1-based): chrX:70,529,946, G>A on the plus strand (C>T on the coding strand, the complement: TEX11 is on the minus strand). VCF-style: chrX-70529946-G-A. GRCh37 (hg19) VCF-style: chrX-69749796-G-A.
Other names: c.2619C>T, p.Thr873= (NM_001003811.2).
Identifiers: ClinVar variation 3025229 (VCV003025229.22), dbSNP rs201633202, ClinGen allele CA10442436.
Genomic context (GRCh38, chrX:70,529,946, plus strand): 5'-GGCCAGGCCACACCACTTTTCAGCAGATGCATACTTGCTCCTGCTAAACATAAGTACTCC[G>A]GTATTCCAGGACTTGACCATCAGCCAGAGAATCTCCATTTCTGGGTAGTCTTTCTATAAT-3'
Protein context (NP_112566.2, residues 848-868): ILWLMVKSWN[Thr858=]GVLMFSRSKY

ClinVar aggregate classification (germline): Likely benign (1 of 4 stars; one submission).

Allele frequency attached by ClinVar (database versions not stated): gnomAD 0.00005; gnomAD exomes 0.00008; TOPMed 0.00010; ExAC 0.00016; 1000 Genomes Project 30x 0.00021; 1000 Genomes Project 0.00026.
gnomAD v4.1: 91 of 1,209,241 alleles (0.0075%); highest among the groups gnomAD compares: Middle Eastern, 0.14%; no homozygotes.

Submission:

CeGaT Center for Human Genetics Tuebingen
Classification: Likely benign. Last evaluated: 2024-02-01. Review status: criteria provided, single submitter. Criteria: CeGaT Center For Human Genetics Tuebingen Variant Classification Criteria Version 2. Collection method: clinical testing. Allele origin: germline. Affected: yes. Observed: 1 variant allele.
Comment: TEX11: BP4, BP7, BS2